The following is an entry in ClinVar:

ClinVar aggregate classification (germline): Uncertain significance (1 of 4 stars; one submission).

Allele frequency attached by ClinVar (database versions not stated): ExAC 0.00002; TOPMed 0.00003; gnomAD 0.00005; gnomAD exomes 0.00007; ESP Exome Variant Server 0.00008.
gnomAD v4.1: 108 of 1,614,068 alleles (0.0067%); highest among the groups gnomAD compares: Non-Finnish European, 0.0083%; no homozygotes.

Submission:

Labcorp Genetics (formerly Invitae), Labcorp
Classification: Uncertain significance. Last evaluated: 2022-04-11. Review status: criteria provided, single submitter. Criteria: Invitae Variant Classification Sherloc (09022015). Collection method: clinical testing. Allele origin: germline.
Comment: In summary, the available evidence is currently insufficient to determine the role of this variant in disease. Therefore, it has been classified as a Variant of Uncertain Significance. Algorithms developed to predict the effect of missense changes on protein structure and function output the following: SIFT: "Tolerated"; PolyPhen-2: "Benign"; Align-GVGD: "Class C0". The glutamine amino acid residue is found in multiple mammalian species, which suggests that this missense change does not adversely affect protein function. This variant has not been reported in the literature in individuals affected with FAT2-related conditions. This variant is present in population databases (rs375983146, gnomAD 0.008%). This sequence change replaces arginine, which is basic and polar, with glutamine, which is neutral and polar, at codon 308 of the FAT2 protein (p.Arg308Gln).

NM_001447.3(FAT2):c.923G>A (p.Arg308Gln)

Gene: FAT2 (FAT atypical cadherin 2; minus strand). Cytogenetic location: 5q33.1.
Variant type: single nucleotide variant.
Coding change: c.923G>A on transcript NM_001447.3 (MANE Select); coding-DNA position 923, G replaced by A.
Protein change: p.Arg308Gln; replaces arginine 308 with glutamine.
Molecular consequence: missense variant.
Genome position (GRCh38, 1-based): chr5:151,568,009, C>T on the plus strand (G>A on the coding strand, the complement: FAT2 is on the minus strand). VCF-style: chr5-151568009-C-T. GRCh37 (hg19) VCF-style: chr5-150947570-C-T.
Other names: short protein forms R308Q.
Identifiers: ClinVar variation 2076626 (VCV002076626.4), dbSNP rs375983146, ClinGen allele CA3522348.